The following is an entry in ClinVar:

ClinVar aggregate classification (germline): Uncertain significance (1 of 4 stars; one submission).

Conditions:
Inborn genetic diseases. Identifiers: MedGen C0950123, MeSH D030342.

Submission:

Ambry Genetics
Classification: Uncertain significance for Inborn genetic diseases. Last evaluated: 2026-06-21. Review status: criteria provided, single submitter. Criteria: Ambry Variant Classification Scheme 2023. Collection method: clinical testing. Allele origin: germline.
Comment: The p.A871D variant (also known as c.2612C>A), located in coding exon 23 of the ANKRD26 gene, results from a C to A substitution at nucleotide position 2612. The alanine at codon 871 is replaced by aspartic acid, an amino acid with dissimilar properties. This amino acid position is conserved. In addition, this alteration is predicted to be tolerated by in silico analysis. Based on the available evidence, the clinical significance of this variant remains unclear.

NM_014915.3(ANKRD26):c.2612C>A (p.Ala871Asp)

Gene: ANKRD26 (ankyrin repeat domain 26; minus strand). Cytogenetic location: 10p12.1.
Variant type: single nucleotide variant.
Coding change: c.2612C>A on transcript NM_014915.3 (MANE Select); coding-DNA position 2612, C replaced by A.
Protein change: p.Ala871Asp; replaces alanine 871 with aspartic acid.
Molecular consequence: missense variant.
Genome position (GRCh38, 1-based): chr10:27,037,271, G>T on the plus strand (C>A on the coding strand, the complement: ANKRD26 is on the minus strand). VCF-style: chr10-27037271-G-T. GRCh37 (hg19) VCF-style: chr10-27326200-G-T.
Other names: c.2609C>A, p.Ala870Asp (NM_001256053.2); short protein forms A870D, A871D.
Identifiers: ClinVar variation 5022837 (VCV005022837.1).